The following is an entry in ClinVar:

ClinVar aggregate classification (germline): Uncertain significance (1 of 4 stars; one submission).

Conditions:
Aicardi-Goutieres syndrome 2. Identifiers: Orphanet 51, MedGen C3489724, MONDO:0012429, OMIM 610181.

Allele frequency attached by ClinVar (database versions not stated): gnomAD 0.00001; gnomAD exomes 0.00001; ExAC 0.00002.
gnomAD v4.1: 14 of 1,608,242 alleles (0.00087%); highest among the groups gnomAD compares: South Asian, 0.0033%; no homozygotes.

Submission:

Labcorp Genetics (formerly Invitae), Labcorp
Classification: Uncertain significance for Aicardi-Goutieres syndrome 2. Last evaluated: 2024-11-05. Review status: criteria provided, single submitter. Criteria: Invitae Variant Classification Sherloc (09022015). Collection method: clinical testing. Allele origin: germline.
Comment: This sequence change replaces arginine, which is basic and polar, with histidine, which is basic and polar, at codon 210 of the RNASEH2B protein (p.Arg210His). This variant is present in population databases (rs755705496, gnomAD 0.006%). This variant has not been reported in the literature in individuals affected with RNASEH2B-related conditions. ClinVar contains an entry for this variant (Variation ID: 1503255). Invitae Evidence Modeling of protein sequence and biophysical properties (such as structural, functional, and spatial information, amino acid conservation, physicochemical variation, residue mobility, and thermodynamic stability) has been performed for this missense variant. However, the output from this modeling did not meet the statistical confidence thresholds required to predict the impact of this variant on RNASEH2B protein function. In summary, the available evidence is currently insufficient to determine the role of this variant in disease. Therefore, it has been classified as a Variant of Uncertain Significance.

NM_024570.4(RNASEH2B):c.629G>A (p.Arg210His)

Gene: RNASEH2B (ribonuclease H2 subunit B; plus strand). Cytogenetic location: 13q14.3.
Variant type: single nucleotide variant.
Coding change: c.629G>A on transcript NM_024570.4 (MANE Select); coding-DNA position 629, G replaced by A.
Protein change: p.Arg210His; replaces arginine 210 with histidine.
Molecular consequence: missense variant.
Genome position (GRCh38, 1-based): chr13:50,947,999, G>A. VCF-style: chr13-50947999-G-A. GRCh37 (hg19) VCF-style: chr13-51522135-G-A.
Other names: c.629G>A, p.Arg210His (NM_001142279.2); short protein forms R210H.
Identifiers: ClinVar variation 1503255 (VCV001503255.4), dbSNP rs755705496, ClinGen allele CA6985650.
Genomic context (GRCh38, chr13:50,947,999, plus strand): 5'-ATTACTATTTTTTTTTTTTGCTTTCACTCCTCCTTCTGTTTCTTTCAGAGGATTATATTC[G>A]TTATGCCCATGGTCTGATATCTGACTACATCCCTAAAGAATTAAGTGATGACTTATCTAA-3'
Protein context (NP_078846.2, residues 200-220): ASTDKEEDYI[Arg210His]YAHGLISDYI